The following is an entry in ClinVar:

NM_152383.5(DIS3L2):c.2605G>T (p.Glu869Ter)

Gene: DIS3L2 (DIS3 like 3'-5' exoribonuclease 2; plus strand). Cytogenetic location: 2q37.1.
Variant type: single nucleotide variant.
Coding change: c.2605G>T on transcript NM_152383.5 (MANE Select); coding-DNA position 2605, G replaced by T.
Protein change: p.Glu869Ter; replaces glutamic acid 869 with a stop codon.
Molecular consequence: nonsense. On other transcripts: non-coding transcript variant (2), intron variant (1).
Genome position (GRCh38, 1-based): chr2:232,336,577, G>T. VCF-style: chr2-232336577-G-T. GRCh37 (hg19) VCF-style: chr2-233201287-G-T.
Other names: c.1582-6768G>T (NM_001257281.2); short protein forms E869*.
Identifiers: ClinVar variation 2138616 (VCV002138616.4), dbSNP rs369664231, ClinGen allele CA350979052.

ClinVar aggregate classification (germline): Uncertain significance (1 of 4 stars; one submission).

Conditions:
Perlman syndrome (PRLMNS). Identifiers: Orphanet 2849, MedGen C0796113, MONDO:0009965, OMIM 267000.

gnomAD v4.1: 11 of 1,608,984 alleles (0.00068%); highest among the groups gnomAD compares: Non-Finnish European, 0.00093%; no homozygotes.

Submission:

Labcorp Genetics (formerly Invitae), Labcorp
Classification: Uncertain significance for Perlman syndrome. Last evaluated: 2024-05-13. Review status: criteria provided, single submitter. Criteria: Invitae Variant Classification Sherloc (09022015). Collection method: clinical testing. Allele origin: germline.
Comment: This sequence change creates a premature translational stop signal (p.Glu869*) in the DIS3L2 gene. While this is not anticipated to result in nonsense mediated decay, it is expected to disrupt the last 17 amino acid(s) of the DIS3L2 protein. This variant is not present in population databases (gnomAD no frequency). This variant has not been reported in the literature in individuals affected with DIS3L2-related conditions. ClinVar contains an entry for this variant (Variation ID: 2138616). In summary, the available evidence is currently insufficient to determine the role of this variant in disease. Therefore, it has been classified as a Variant of Uncertain Significance.